The following is an entry in ClinVar:

NC_000016.9:g.(?_66582861)_(66583964_?)del

Gene: TK2 (thymidine kinase 2; minus strand). Cytogenetic location: 16q21.
Variant type: Deletion.
Identifiers: ClinVar variation 3243640 (VCV003243640.1).

ClinVar aggregate classification (germline): Pathogenic (1 of 4 stars; one submission).

Submission:

Labcorp Genetics (formerly Invitae), Labcorp
Classification: Pathogenic. Last evaluated: 2023-11-13. Review status: criteria provided, single submitter. Criteria: Invitae Variant Classification Sherloc (09022015). Collection method: clinical testing. Allele origin: unknown.
Comment: This variant is a gross deletion of the genomic region encompassing exon(s) 1-2 of the TK2 gene, which includes the initiator codon. This deletion extends beyond the assayed region for this gene and therefore may encompass additional genes. It is expected to result in an absent or disrupted protein product. Loss-of-function variants in TK2 are known to be pathogenic (PMID: 20421844). A similar copy number variant has been observed in individual(s) with mitochondrial DNA depletion syndrome (PMID: 19815440). For these reasons, this variant has been classified as Pathogenic.

Literature cited by the submitters: PubMed 20421844; PubMed 19815440.